The following is an entry in ClinVar:

ClinVar aggregate classification (germline): Uncertain significance (1 of 4 stars; one submission).

Submission:

Ambry Genetics
Classification: Uncertain significance. Last evaluated: 2026-02-15. Review status: criteria provided, single submitter. Criteria: Ambry Variant Classification Scheme 2023. Collection method: clinical testing. Allele origin: germline.
Comment: The p.H427N variant (also known as c.1279C>A), located in coding exon 8 of the RNF43 gene, results from a C to A substitution at nucleotide position 1279. The histidine at codon 427 is replaced by asparagine, an amino acid with similar properties. This amino acid position is conserved. In addition, this alteration is predicted to be tolerated by in silico analysis. Based on the available evidence, the clinical significance of this variant remains unclear.

NM_017763.6(RNF43):c.1279C>A (p.His427Asn)

Gene: RNF43 (ring finger protein 43; minus strand). Cytogenetic location: 17q22.
Variant type: single nucleotide variant.
Coding change: c.1279C>A on transcript NM_017763.6 (MANE Select); coding-DNA position 1279, C replaced by A.
Protein change: p.His427Asn; replaces histidine 427 with asparagine.
Molecular consequence: missense variant.
Genome position (GRCh38, 1-based): chr17:58,358,497, G>T on the plus strand (C>A on the coding strand, the complement: RNF43 is on the minus strand). VCF-style: chr17-58358497-G-T. GRCh37 (hg19) VCF-style: chr17-56435858-G-T.
Other names: c.1279C>A, p.His427Asn (NM_001305544.3, NM_001438820.1, NM_001438821.1 and 1 more transcripts); c.898C>A, p.His300Asn (NM_001305545.2, NM_001437987.1); short protein forms H300N, H427N.
Identifiers: ClinVar variation 4844779 (VCV004844779.1).
Genomic context (GRCh38, chr17:58,358,497, plus strand): 5'-CAGATCCACTGCTGTCAGGGGGCCTGGCCCGGCGTAGGGGCACTGGGCAAGCAGCAGGGT[G>T]CTGTGAGGTGGATTGGAGGTGGCTCAGTCCCCAGCCTTGTGCATAGGGGTGCTGGGCTCC-3'
Protein context (NP_060233.3, residues 417-437): GLSHLQSTSQ[His427Asn]PAACPVPLRR